The following is an entry in ClinVar:

ClinVar aggregate classification (germline): Uncertain significance (1 of 4 stars; one submission).

Conditions:
Inborn genetic diseases. Identifiers: MedGen C0950123, MeSH D030342.

Submission:

Ambry Genetics
Classification: Uncertain significance for Inborn genetic diseases. Last evaluated: 2026-05-16. Review status: criteria provided, single submitter. Criteria: Ambry Variant Classification Scheme 2023. Collection method: clinical testing. Allele origin: germline.
Comment: The p.L119W variant (also known as c.356T>G), located in coding exon 1 of the WT1 gene, results from a T to G substitution at nucleotide position 356. The leucine at codon 119 is replaced by tryptophan, an amino acid with similar properties. This amino acid position is conserved. In addition, the in silico prediction for this alteration is inconclusive. Based on the available evidence, the clinical significance of this variant remains unclear.

NM_024426.6(WT1):c.371T>G (p.Leu124Trp)

Genes: WT1 (WT1 transcription factor; minus strand), LOC107982234 (WT1/WT1-AS bi-directional promoter region; plus strand). Cytogenetic location: 11p13.
Variant type: single nucleotide variant.
Coding change: c.371T>G on transcript NM_024426.6 (MANE Select); coding-DNA position 371, T replaced by G.
Protein change: p.Leu124Trp; replaces leucine 124 with tryptophan.
Molecular consequence: missense variant. On other transcripts: non-coding transcript variant (2).
Genome position (GRCh38, 1-based): chr11:32,434,990, A>C on the plus strand (T>G on the coding strand, the complement: WT1 is on the minus strand). VCF-style: chr11-32434990-A-C. GRCh37 (hg19) VCF-style: chr11-32456536-A-C.
Other names: c.371T>G, p.Leu124Trp (NM_000378.6, NM_001407044.1, NM_001407045.1 and 6 more transcripts); c.152T>G, p.Leu51Trp (NM_001429031.1, NM_001429032.1, NM_001429033.1 and 1 more transcripts); short protein forms L119W, L124W, L51W.
Identifiers: ClinVar variation 4866814 (VCV004866814.1).